The following is an entry in ClinVar:

ClinVar aggregate classification (germline): Likely benign (0 of 4 stars; one submission).

Conditions:
DNAH17-related disorder. Also called: DNAH17-related condition.

Allele frequency attached by ClinVar (database versions not stated): gnomAD 0.00001; gnomAD exomes 0.00005; ExAC 0.00009.
gnomAD v4.1: 73 of 1,609,978 alleles (0.0045%); highest among the groups gnomAD compares: South Asian, 0.079%; no homozygotes.

Submission:

PreventionGenetics, part of Exact Sciences
Classification: Likely benign for DNAH17-related condition. Last evaluated: 2019-05-15. Review status: no assertion criteria provided. Collection method: clinical testing. Allele origin: germline.
Comment: This variant is classified as likely benign based on ACMG/AMP sequence variant interpretation guidelines (Richards et al. 2015 PMID: 25741868, with internal and published modifications).

NM_173628.4(DNAH17):c.12016C>T (p.Leu4006=)

Gene: DNAH17 (dynein axonemal heavy chain 17; minus strand). Cytogenetic location: 17q25.3.
Variant type: single nucleotide variant.
Coding change: c.12016C>T on transcript NM_173628.4 (MANE Select); coding-DNA position 12016, C replaced by T.
Protein change: p.Leu4006=; no amino-acid change (leucine 4006 retained).
Molecular consequence: synonymous variant.
Genome position (GRCh38, 1-based): chr17:78,437,658, G>A on the plus strand (C>T on the coding strand, the complement: DNAH17 is on the minus strand). VCF-style: chr17-78437658-G-A. GRCh37 (hg19) VCF-style: chr17-76433740-G-A.
Identifiers: ClinVar variation 3038124 (VCV003038124.2), dbSNP rs753559419, ClinGen allele CA8800240.